The following is an entry in ClinVar:

NM_001077653.2(TBX20):c.1174C>G (p.Arg392Gly)

Gene: TBX20 (T-box transcription factor 20; minus strand). Cytogenetic location: 7p14.2.
Variant type: single nucleotide variant.
Coding change: c.1174C>G on transcript NM_001077653.2 (MANE Select); coding-DNA position 1174, C replaced by G.
Protein change: p.Arg392Gly; replaces arginine 392 with glycine.
Molecular consequence: missense variant.
Genome position (GRCh38, 1-based): chr7:35,202,600, G>C on the plus strand (C>G on the coding strand, the complement: TBX20 is on the minus strand). VCF-style: chr7-35202600-G-C. GRCh37 (hg19) VCF-style: chr7-35242212-G-C.
Other names: short protein forms R392G.
Identifiers: ClinVar variation 3665732 (VCV003665732.2).
Genomic context (GRCh38, chr7:35,202,600, plus strand): 5'-TGGGGCCACTCCCTTGCATGGAGCTGGCAATGGCCGATGGTGTCAGAGGCATTCCCAGTC[G>C]GCTATATGGTGGCAGAGAACCCTGGATGGGGTGAGGAATGGGTGTTGCTATGGATGCTGT-3'
Protein context (NP_001071121.1, residues 382-402): PIQGSLPPYS[Arg392Gly]LGMPLTPSAI

ClinVar aggregate classification (germline): Uncertain significance (1 of 4 stars; one submission).

Submission:

Labcorp Genetics (formerly Invitae), Labcorp
Classification: Uncertain significance. Last evaluated: 2024-10-16. Review status: criteria provided, single submitter. Criteria: Invitae Variant Classification Sherloc (09022015). Collection method: clinical testing. Allele origin: germline.
Comment: This sequence change replaces arginine, which is basic and polar, with glycine, which is neutral and non-polar, at codon 392 of the TBX20 protein (p.Arg392Gly). This variant is not present in population databases (gnomAD no frequency). This variant has not been reported in the literature in individuals affected with TBX20-related conditions. Invitae Evidence Modeling of protein sequence and biophysical properties (such as structural, functional, and spatial information, amino acid conservation, physicochemical variation, residue mobility, and thermodynamic stability) indicates that this missense variant is not expected to disrupt TBX20 protein function with a negative predictive value of 80%. In summary, the available evidence is currently insufficient to determine the role of this variant in disease. Therefore, it has been classified as a Variant of Uncertain Significance.